The following is an entry in ClinVar:

NM_004380.3(CREBBP):c.1723A>G (p.Ser575Gly)

Genes: CREBBP (CREB binding lysine acetyltransferase; minus strand), LOC130058353 (ATAC-STARR-seq lymphoblastoid active region 10333; plus strand). Cytogenetic location: 16p13.3.
Variant type: single nucleotide variant.
Coding change: c.1723A>G on transcript NM_004380.3 (MANE Select); coding-DNA position 1723, A replaced by G.
Protein change: p.Ser575Gly; replaces serine 575 with glycine.
Molecular consequence: missense variant.
Genome position (GRCh38, 1-based): chr16:3,780,832, T>C on the plus strand (A>G on the coding strand, the complement: CREBBP is on the minus strand). VCF-style: chr16-3780832-T-C. GRCh37 (hg19) VCF-style: chr16-3830833-T-C.
Other names: c.1609A>G, p.Ser537Gly (NM_001079846.1); short protein forms S537G, S575G.
Identifiers: ClinVar variation 2632086 (VCV002632086.4), dbSNP rs374195251, ClinGen allele CA7870370.

ClinVar aggregate classification (germline): Conflicting classifications of pathogenicity. Review status: criteria provided, conflicting classifications (1 of 4 stars). 3 submissions from 3 submitters: Uncertain significance (2); Benign (1). Last evaluated 2026-01-24.

Conditions:
CREBBP-related disorder. Also called: CREBBP-related condition; CREBBP-related disorders.
Inborn genetic diseases. Identifiers: MedGen C0950123, MeSH D030342.
Rubinstein-Taybi syndrome (RSTS). Identifiers: Orphanet 783, MedGen C0035934, MONDO:0019188.

Allele frequency attached by ClinVar (database versions not stated): gnomAD exomes below 0.00001; ExAC 0.00001; gnomAD 0.00003; TOPMed 0.00005; ESP Exome Variant Server 0.00015.
gnomAD v4.1: 6 of 1,613,780 alleles (0.00037%); highest among the groups gnomAD compares: African/African-American, 0.008%; no homozygotes.

Submissions (3):

Labcorp Genetics (formerly Invitae), Labcorp
Classification: Benign for Rubinstein-Taybi syndrome. Last evaluated: 2026-01-24. Review status: criteria provided, single submitter. Criteria: Invitae Variant Classification Sherloc (09022015). Collection method: clinical testing. Allele origin: germline.

PreventionGenetics, part of Exact Sciences
Classification: Uncertain significance for CREBBP-related condition. Last evaluated: 2025-12-30. Review status: criteria provided, single submitter. Criteria: ACMG Guidelines, 2015. Collection method: clinical testing. Allele origin: germline.
Comment: The CREBBP c.1723A>G variant is predicted to result in the amino acid substitution p.Ser575Gly. To our knowledge, this variant has not been reported in the literature. This variant is reported in 0.0062% of alleles in individuals of African descent in gnomAD. At this time, the clinical significance of this variant is uncertain due to the absence of conclusive functional and genetic evidence.

Ambry Genetics
Classification: Uncertain significance for Inborn genetic diseases. Last evaluated: 2025-08-30. Review status: criteria provided, single submitter. Criteria: Ambry Variant Classification Scheme 2023. Collection method: clinical testing. Allele origin: germline.